The following is an entry in ClinVar:

NM_001136191.3(KANK2):c.948G>T (p.Gln316His)

Gene: KANK2 (KN motif and ankyrin repeat domains 2; minus strand). Cytogenetic location: 19p13.2.
Variant type: single nucleotide variant.
Coding change: c.948G>T on transcript NM_001136191.3 (MANE Select); coding-DNA position 948, G replaced by T.
Protein change: p.Gln316His; replaces glutamine 316 with histidine.
Molecular consequence: missense variant.
Genome position (GRCh38, 1-based): chr19:11,193,132, C>A on the plus strand (G>T on the coding strand, the complement: KANK2 is on the minus strand). VCF-style: chr19-11193132-C-A. GRCh37 (hg19) VCF-style: chr19-11303808-C-A.
Other names: c.948G>T, p.Gln316His (NM_001329451.2, NM_001379548.1, NM_001379549.1 and 15 more transcripts); short protein forms Q316H.
Identifiers: ClinVar variation 4734050 (VCV004734050.1).

ClinVar aggregate classification (germline): Uncertain significance (1 of 4 stars; one submission).

Submission:

Labcorp Genetics (formerly Invitae), Labcorp
Classification: Uncertain significance. Last evaluated: 2025-12-24. Review status: criteria provided, single submitter. Criteria: Invitae Variant Classification Sherloc (09022015). Collection method: clinical testing. Allele origin: germline.
Comment: This sequence change replaces glutamine, which is neutral and polar, with histidine, which is basic and polar, at codon 316 of the KANK2 protein (p.Gln316His). This variant is not present in population databases (gnomAD no frequency). This variant has not been reported in the literature in individuals affected with KANK2-related conditions. An algorithm developed to predict the effect of missense changes on protein structure and function outputs the following: PolyPhen-2: "Benign". The histidine amino acid residue is found in multiple mammalian species, which suggests that this missense change does not adversely affect protein function. In summary, the available evidence is currently insufficient to determine the role of this variant in disease. Therefore, it has been classified as a Variant of Uncertain Significance.